The following is an entry in ClinVar:

ClinVar aggregate classification (germline): Uncertain significance. Review status: criteria provided, multiple submitters, no conflicts (2 of 4 stars). 2 submissions from 2 submitters: Uncertain significance (2). Last evaluated 2025-11-18.

Conditions:
Epidermolysis bullosa simplex 5B, with muscular dystrophy (EBS5B). Also called: EPIDERMOLYSIS BULLOSA SIMPLEX AND LIMB-GIRDLE MUSCULAR DYSTROPHY; Epidermolysis bullosa simplex with muscular dystrophy. Identifiers: Orphanet 257, MedGen C2931072, MONDO:0009181, OMIM 226670.
Epidermolysis bullosa simplex, Ogna type (EBS5A). Also called: EPIDERMOLYSIS BULLOSA SIMPLEX 5A, OGNA TYPE; Pidermolysis bullosa simplex 5A, Ogna type. Identifiers: Orphanet 79401, MedGen C0432317, MONDO:0007555, OMIM 131950.
Epidermolysis bullosa simplex 5C, with pyloric atresia (EBS5C). Also called: PLEC1-Related Epidermolysis Bullosa with Pyloric Atresia; PLEC-Related Epidermolysis Bullosa with Pyloric Atresia; Epidermolysis bullosa simplex with pyloric atresia. Identifiers: Orphanet 158684, MedGen C2677349, MONDO:0012807, OMIM 612138.
Epidermolysis bullosa simplex with nail dystrophy (EBS5D). Identifiers: MedGen C4225309, MONDO:0014661, OMIM 616487.
Autosomal recessive limb-girdle muscular dystrophy type 2Q (LGMDR17). Also called: MUSCULAR DYSTROPHY, LIMB-GIRDLE, AUTOSOMAL RECESSIVE 17. Identifiers: Orphanet 254361, MedGen C3150989, MONDO:0013390, OMIM 613723.

Allele frequency attached by ClinVar (database versions not stated): gnomAD 0.00001; ExAC 0.00002; gnomAD exomes 0.00003.
gnomAD v4.1: 39 of 1,581,496 alleles (0.0025%); highest among the groups gnomAD compares: Non-Finnish European, 0.0033%; no homozygotes.

Submissions (2):

Labcorp Genetics (formerly Invitae), Labcorp
Classification: Uncertain significance for Autosomal recessive limb-girdle muscular dystrophy type 2Q; Epidermolysis bullosa simplex, Ogna type; Epidermolysis bullosa simplex with nail dystrophy; Epidermolysis bullosa simplex 5C, with pyloric atresia; Epidermolysis bullosa simplex 5B, with muscular dystrophy. Last evaluated: 2025-11-18. Review status: criteria provided, single submitter. Criteria: Invitae Variant Classification Sherloc (09022015). Collection method: clinical testing. Allele origin: germline.
Comment: This sequence change replaces glutamine, which is neutral and polar, with arginine, which is basic and polar, at codon 1191 of the PLEC protein (p.Gln1191Arg). The frequency data for this variant in the population databases is considered unreliable, as metrics indicate poor data quality at this position in the gnomAD database. This variant has not been reported in the literature in individuals affected with PLEC-related conditions. ClinVar contains an entry for this variant (Variation ID: 451680). Invitae Evidence Modeling of protein sequence and biophysical properties (such as structural, functional, and spatial information, amino acid conservation, physicochemical variation, residue mobility, and thermodynamic stability) indicates that this missense variant is not expected to disrupt PLEC protein function with a negative predictive value of 80%. In summary, the available evidence is currently insufficient to determine the role of this variant in disease. Therefore, it has been classified as a Variant of Uncertain Significance.

GeneDx
Classification: Uncertain significance. Last evaluated: 2017-08-30. Review status: criteria provided, single submitter. Criteria: GeneDx Variant Classification (06012015). Collection method: clinical testing. Allele origin: germline. Affected: yes.
Comment: The Q1191R variant has not been published as a pathogenic variant, nor has it been reported as a benign variant to our knowledge. The Q1191R variant is not observed at a significant frequency in large population cohorts (Lek et al., 2016; 1000 Genomes Consortium et al., 2015; Exome Variant Server). Most reported pathogenic variants in the PLEC gene are truncating/loss-of-function. However, this variant is a semi-conservative amino acid substitution, which may impact secondary protein structure as these residues differ in some properties. This substitution occurs at a position that is conserved in mammals. In silico analysis is inconsistent in its predictions as to whether or not the variant is damaging to the protein structure/function.

NM_201384.3(PLEC):c.3491A>G (p.Gln1164Arg)

Gene: PLEC (plectin; minus strand). Cytogenetic location: 8q24.3.
Variant type: single nucleotide variant.
Coding change: c.3491A>G on transcript NM_201384.3 (MANE Select); coding-DNA position 3491, A replaced by G.
Protein change: p.Gln1164Arg; replaces glutamine 1164 with arginine.
Molecular consequence: missense variant.
Genome position (GRCh38, 1-based): chr8:143,927,675, T>C on the plus strand (A>G on the coding strand, the complement: PLEC is on the minus strand). VCF-style: chr8-143927675-T-C. GRCh37 (hg19) VCF-style: chr8-145001843-T-C.
Other names: c.3902A>G, p.Gln1301Arg (NM_201380.4); c.3395A>G, p.Gln1132Arg (NM_201381.3); c.3491A>G, p.Gln1164Arg (NM_201382.4); c.3503A>G, p.Gln1168Arg (NM_201383.3); c.3572A>G, p.Gln1191Arg (NM_000445.5); c.3449A>G, p.Gln1150Arg (NM_201378.4); c.3425A>G, p.Gln1142Arg (NM_201379.3); short protein forms Q1132R, Q1142R, Q1150R, Q1164R, Q1168R, Q1191R, Q1301R.
Identifiers: ClinVar variation 451680 (VCV000451680.7), dbSNP rs782101451, ClinGen allele CA4927043.
Genomic context (GRCh38, chr8:143,927,675, plus strand): 5'-AACTGGGCGACCCGCTCCCGCCAGCGCTCCACCTCCACGTCCCGCTCCCCGTGCCGCTGC[T>C]GCAGTCGCTCCCCCACCTCCTGTGCCCCCCGCAGCTCATCCCGCAGGGCGTCGAACGTGG-3'
Protein context (NP_958786.1, residues 1154-1174): RGAQEVGERL[Gln1164Arg]QRHGERDVEV